The following is an entry in ClinVar:

ClinVar aggregate classification (germline): Conflicting classifications of pathogenicity. Review status: criteria provided, conflicting classifications (1 of 4 stars). 5 submissions from 5 submitters: Uncertain significance (4); Likely benign (1). Last evaluated 2025-07-21.

Conditions:
Hereditary cancer-predisposing syndrome. Also called: Hereditary Cancer Syndrome; Neoplastic Syndromes, Hereditary; Tumor predisposition; Hereditary neoplastic syndrome. Identifiers: Orphanet 140162, MedGen C0027672, MeSH D009386, MONDO:0015356.
Fanconi anemia complementation group J. Also called: BRIP1-Related Fanconi Anemia. Identifiers: Orphanet 84, MedGen C1836860, MONDO:0012187, OMIM 609054.
Familial cancer of breast. Also called: Hereditary breast cancer; hereditary breast carcinoma; BREAST CANCER, FAMILIAL. Identifiers: Orphanet 227535, MedGen C0346153, MONDO:0016419, OMIM 114480. Disease mechanism: loss of function.

Allele frequency attached by ClinVar (database versions not stated): TOPMed below 0.00001; gnomAD exomes 0.00001.
gnomAD v4.1: 17 of 1,612,724 alleles (0.0011%); highest among the groups gnomAD compares: Non-Finnish European, 0.0014%; no homozygotes.

Submissions (5):

Labcorp Genetics (formerly Invitae), Labcorp
Classification: Uncertain significance for Familial cancer of breast; Fanconi anemia complementation group J. Last evaluated: 2025-07-21. Review status: criteria provided, single submitter. Criteria: Invitae Variant Classification Sherloc (09022015). Collection method: clinical testing. Allele origin: germline.
Comment: This sequence change replaces alanine, which is neutral and non-polar, with threonine, which is neutral and polar, at codon 1159 of the BRIP1 protein (p.Ala1159Thr). This variant is present in population databases (no rsID available, gnomAD 0.0009%). This variant has not been reported in the literature in individuals affected with BRIP1-related conditions. ClinVar contains an entry for this variant (Variation ID: 230724). Invitae Evidence Modeling of protein sequence and biophysical properties (such as structural, functional, and spatial information, amino acid conservation, physicochemical variation, residue mobility, and thermodynamic stability) indicates that this missense variant is not expected to disrupt BRIP1 protein function with a negative predictive value of 95%. In summary, the available evidence is currently insufficient to determine the role of this variant in disease. Therefore, it has been classified as a Variant of Uncertain Significance.

Color Diagnostics, LLC DBA Color Health
Classification: Uncertain significance for Hereditary cancer-predisposing syndrome. Last evaluated: 2025-03-03. Review status: criteria provided, single submitter. Criteria: ACMG Guidelines, 2015. Collection method: clinical testing. Allele origin: germline.
Comment: This missense variant replaces alanine with threonine at codon 1159 of the BRIP1 protein. Computational prediction suggests that this variant may not impact protein structure and function (internally defined REVEL score threshold <= 0.5, PMID: 27666373). To our knowledge, functional studies have not been reported for this variant. This variant has not been reported in individuals affected with BRIP1-related disorders in the literature. This variant has been identified in 1/250088 chromosomes in the general population by the Genome Aggregation Database (gnomAD). The available evidence is insufficient to determine the role of this variant in disease conclusively. Therefore, this variant is classified as a Variant of Uncertain Significance.

Ambry Genetics
Classification: Likely benign for Hereditary cancer-predisposing syndrome. Last evaluated: 2024-03-20. Review status: criteria provided, single submitter. Criteria: Ambry Variant Classification Scheme 2023. Collection method: clinical testing. Allele origin: germline.

GeneDx
Classification: Uncertain significance. Last evaluated: 2022-06-14. Review status: criteria provided, single submitter. Criteria: GeneDx Variant Classification Process June 2021. Collection method: clinical testing. Allele origin: germline. Affected: yes.
Comment: Not observed at significant frequency in large population cohorts (gnomAD); In silico analysis supports that this missense variant does not alter protein structure/function; Has not been previously published as pathogenic or benign to our knowledge

Institute for Clinical Genetics, University Hospital TU Dresden, University Hospital TU Dresden
Classification: Uncertain significance. Last evaluated: 2021-11-03. Review status: criteria provided, single submitter. Criteria: ACMG Guidelines, 2015. Collection method: clinical testing. Allele origin: germline.

NM_032043.3(BRIP1):c.3475G>A (p.Ala1159Thr)

Gene: BRIP1 (BRCA1 interacting DNA helicase 1; minus strand). Cytogenetic location: 17q23.2.
Variant type: single nucleotide variant.
Coding change: c.3475G>A on transcript NM_032043.3 (MANE Select); coding-DNA position 3475, G replaced by A.
Protein change: p.Ala1159Thr; replaces alanine 1159 with threonine.
Molecular consequence: missense variant.
Genome position (GRCh38, 1-based): chr17:61,683,571, C>T on the plus strand (G>A on the coding strand, the complement: BRIP1 is on the minus strand). VCF-style: chr17-61683571-C-T. GRCh37 (hg19) VCF-style: chr17-59760932-C-T.
Other names: short protein forms A1159T.
Identifiers: ClinVar variation 230724 (VCV000230724.26), dbSNP rs368610199, ClinGen allele CA10580771.